The following is an entry in ClinVar:

ClinVar aggregate classification (germline): Uncertain significance (1 of 4 stars; one submission).

Submission:

GeneDx
Classification: Uncertain significance. Last evaluated: 2014-05-12. Review status: criteria provided, single submitter. Criteria: GeneDx Variant Classification (06012015). Collection method: clinical testing. Allele origin: germline. Affected: yes.
Comment: c.3473+4 A>G: IVS27+4 A>G in intron 27 of the ABCC9 gene (NM_020297.2) The c.3473+4 A>G variant in the ABCC9 gene has not been reported as a disease-causing mutation or as a benign polymorphism to our knowledge. In silico splice prediction algorithms demonstrate that c.3473+4 A>G may result in loss or damage of the natural splice donor site of intron 27, which may cause abnormal gene splicing. This may lead to either an abnormal message that is subject to nonsense-mediated mRNA decay, or to an abnormal protein product if the message is used for protein translation. However, the majority of disease-causing mutations in the ABCC9 gene are missense changes. Therefore, based on the currently available information, it is unclear whether this variant is a pathogenic mutation or a rare benign variant and is interpreted to be a variant of unknown significance. The variant is found in CARDIOMYOPATHY panel(s).

NM_020297.4(ABCC9):c.3473+4A>G

Gene: ABCC9 (ATP binding cassette subfamily C member 9; minus strand). Cytogenetic location: 12p12.1.
Variant type: single nucleotide variant.
Coding change: c.3473+4A>G on transcript NM_020297.4 (MANE Select); 4 bases into the intron after coding-DNA position 3473, A replaced by G.
Molecular consequence: intron variant.
Genome position (GRCh38, 1-based): chr12:21,842,310, T>C on the plus strand (A>G on the coding strand, the complement: ABCC9 is on the minus strand). VCF-style: chr12-21842310-T-C. GRCh37 (hg19) VCF-style: chr12-21995244-T-C.
Other names: c.2606+4A>G (NM_001377274.1); c.3473+4A>G (NM_005691.4, NM_001377273.1).
Identifiers: ClinVar variation 201619 (VCV000201619.2), dbSNP rs794728956, ClinGen allele CA308200.
Genomic context (GRCh38, chr12:21,842,310, plus strand): 5'-CATGAATAGAGAGGGCTGACTGTAGATAAGCTTTTGAAAATGAGTGGGATGCTGTTTTAC[T>C]TACTTAGAGGCAACCCGAAAGTATTTCTGGATAAAATAAAAGGCAACACCAAGGGGCAGG-3'